The following is an entry in ClinVar:

NM_023067.4(FOXL2):c.269T>C (p.Phe90Ser)

Gene: FOXL2 (forkhead box L2; minus strand). Cytogenetic location: 3q22.3.
Variant type: single nucleotide variant.
Coding change: c.269T>C on transcript NM_023067.4 (MANE Select); coding-DNA position 269, T replaced by C.
Protein change: p.Phe90Ser; replaces phenylalanine 90 with serine.
Molecular consequence: missense variant.
Genome position (GRCh38, 1-based): chr3:138,946,454, A>G on the plus strand (T>C on the coding strand, the complement: FOXL2 is on the minus strand). VCF-style: chr3-138946454-A-G. GRCh37 (hg19) VCF-style: chr3-138665296-A-G.
Other names: short protein forms F90S.
Identifiers: ClinVar variation 4747362 (VCV004747362.1).
Genomic context (GRCh38, chr3:138,946,454, plus strand): 5'-TCGTTGAGGCTGAGGTTGTGGCGGATGCTATTTTGCCAGCCCTTCTTATTCTTCTCGTAG[A>G]ACGGGAACTTCGCGATGATGTACTGGTAGATGCCGGACAGCGTGAGCCTCTTCTCCGCGC-3'
Protein context (NP_075555.1, residues 80-100): IYQYIIAKFP[Phe90Ser]YEKNKKGWQN

ClinVar aggregate classification (germline): Pathogenic (1 of 4 stars; one submission).

Submission:

Labcorp Genetics (formerly Invitae), Labcorp
Classification: Pathogenic. Last evaluated: 2025-06-19. Review status: criteria provided, single submitter. Criteria: Invitae Variant Classification Sherloc (09022015). Collection method: clinical testing. Allele origin: germline.
Comment: This sequence change replaces phenylalanine, which is neutral and non-polar, with serine, which is neutral and polar, at codon 90 of the FOXL2 protein (p.Phe90Ser). This variant is not present in population databases (gnomAD no frequency). This missense change has been observed in individual(s) with blepharophimosis syndrome (PMID: 18372316). In at least one individual the variant was observed to be de novo. An algorithm developed to predict the effect of missense changes on protein structure and function (PolyPhen-2) suggests that this variant is likely to be disruptive. Experimental studies have shown that this missense change affects FOXL2 function (PMID: 18372316). This variant disrupts the p.Phe90 amino acid residue in FOXL2. Other variant(s) that disrupt this residue have been determined to be pathogenic (internal data). This suggests that this residue is clinically significant, and that variants that disrupt this residue are likely to be disease-causing. For these reasons, this variant has been classified as Pathogenic.

Literature cited by the submitters: PubMed 18372316.